The following is an entry in ClinVar:

NM_001395656.1(ROBO2):c.*2747C>A

Gene: ROBO2 (roundabout guidance receptor 2; plus strand). Cytogenetic location: 3p12.3.
Variant type: single nucleotide variant.
Coding change: c.*2747C>A on transcript NM_001395656.1 (MANE Select); 2747 bases downstream of the stop codon, C replaced by A.
Molecular consequence: 3 prime UTR variant.
Genome position (GRCh38, 1-based): chr3:77,648,802, C>A. VCF-style: chr3-77648802-C-A. GRCh37 (hg19) VCF-style: chr3-77697953-C-A.
Other names: c.*2747C>A (NM_001128929.3, NM_001290039.2, NM_001290040.2 and 14 more transcripts); c.*2744C>A (NM_001378194.1, NM_001378196.1, NM_001378199.1 and 3 more transcripts).
Identifiers: ClinVar variation 903510 (VCV000903510.5), dbSNP rs540041175, ClinGen allele CA77534366.

ClinVar aggregate classification (germline): Benign (1 of 4 stars; one submission).

Conditions:
Vesicoureteral reflux 2 (VUR2). Identifiers: Orphanet 289365, MedGen C1970483, MONDO:0012573, OMIM 610878.

Allele frequency attached by ClinVar (database versions not stated): 1000 Genomes Project 30x 0.00094; 1000 Genomes Project 0.00120; TOPMed 0.00186.
gnomAD v4.1: 256 of 152,138 alleles (0.17%); highest among the groups gnomAD compares: African/African-American, 0.56%; 2 homozygotes.

Submission:

Illumina Laboratory Services, Illumina
Classification: Benign for Vesicoureteral reflux 2. Last evaluated: 2018-01-13. Review status: criteria provided, single submitter. Criteria: ICSL Variant Classification Criteria 13 December 2019. Collection method: clinical testing. Allele origin: germline.
Comment: This variant was observed in the ICSL laboratory as part of a predisposition screen in an ostensibly healthy population. It had not been previously curated by ICSL or reported in the Human Gene Mutation Database (HGMD: prior to June 1st, 2018), and was therefore a candidate for classification through an automated scoring system. Utilizing variant allele frequency, disease prevalence and penetrance estimates, and inheritance mode, an automated score was calculated to assess if this variant is too frequent to cause the disease. Based on the score and internal cut-off values, a variant classified as benign is not then subjected to further curation. The score for this variant resulted in a classification of benign for this disease.